The following is an entry in ClinVar:

NM_139027.6(ADAMTS13):c.598G>A (p.Gly200Ser)

Gene: ADAMTS13 (ADAM metallopeptidase with thrombospondin type 1 motif 13; plus strand). Cytogenetic location: 9q34.2.
Variant type: single nucleotide variant.
Coding change: c.598G>A on transcript NM_139027.6 (MANE Select); coding-DNA position 598, G replaced by A.
Protein change: p.Gly200Ser; replaces glycine 200 with serine.
Molecular consequence: missense variant. On other transcripts: non-coding transcript variant (1).
Genome position (GRCh38, 1-based): chr9:133,426,257, G>A. VCF-style: chr9-133426257-G-A. GRCh37 (hg19) VCF-style: chr9-136291377-G-A.
Other names: p.Gly200Ser; c.598G>A (NM_139025.3); c.598G>A, p.Gly200Ser (NM_139025.5, NM_139026.6); short protein forms G200S.
Identifiers: ClinVar variation 3379922 (VCV003379922.2).
Genomic context (GRCh38, chr9:133,426,257, plus strand): 5'-AGGTTTGACCTGGAGTTGCCTGATGGTAACCGGCAGGTGCGGGGCGTCACCCAGCTGGGC[G>A]GTGCCTGCTCCCCAACCTGGAGCTGCCTCATTACCGAGGACACTGGCTTCGACCTGGGAG-3'
Protein context (NP_620596.2, residues 190-210): RQVRGVTQLG[Gly200Ser]ACSPTWSCLI

ClinVar aggregate classification (germline): Uncertain significance. Review status: criteria provided, multiple submitters, no conflicts (2 of 4 stars). 2 submissions from 2 submitters: Uncertain significance (2). Last evaluated 2025-07-31.

Conditions:
Inborn genetic diseases. Identifiers: MedGen C0950123, MeSH D030342.

gnomAD v4.1: 11 of 1,612,630 alleles (0.00068%); highest among the groups gnomAD compares: Middle Eastern, 0.016%; no homozygotes.

Submissions (2):

Ambry Genetics
Classification: Uncertain significance for Inborn genetic diseases. Last evaluated: 2025-07-31. Review status: criteria provided, single submitter. Criteria: Ambry Variant Classification Scheme 2023. Collection method: clinical testing. Allele origin: germline.

Mayo Clinic Laboratories, Mayo Clinic
Classification: Uncertain significance. Last evaluated: 2024-04-09. Review status: criteria provided, single submitter. Criteria: ACMG Guidelines, 2015. Collection method: clinical testing. Allele origin: germline. Observed: 1 variant allele.
Comment: PP3